The following is an entry in ClinVar:

NM_000170.2(GLDC):c.2980G>A (p.Gly994Arg)

Gene: GLDC (glycine decarboxylase; minus strand). Cytogenetic location: 9p24.1.
Variant type: single nucleotide variant.
Coding change: c.2980G>A on transcript NM_000170.2; coding-DNA position 2980, G replaced by A.
Protein change: p.Gly994Arg; replaces glycine 994 with arginine.
Molecular consequence: missense variant (on NM_000170.3).
Genome position (GRCh38, 1-based): chr9:6,533,100, C>T on the plus strand (G>A on the coding strand, the complement: GLDC is on the minus strand). VCF-style: chr9-6533100-C-T. GRCh37 (hg19) VCF-style: chr9-6533100-C-T.
Other names: c.2980G>A, p.Gly994Arg (NM_000170.3); short protein forms G994R.
Identifiers: ClinVar variation 550058 (VCV000550058.18), dbSNP rs1406713104, ClinGen allele CA372881661.
Genomic context (GRCh38, chr9:6,533,100, plus strand): 5'-CAGAAAATGGAGACTCATAAACTTCCATGGGTGGGCAGGTACAAACCAGGTGCTGATCTC[C>T]ATATATGTCATCAATCCGGGCAATCGTTGGCCAGAATTTGTTCTCTGGTTTCACGAAGGG-3'
Protein context (NP_000161.2, residues 984-1004): PTIARIDDIY[Gly994Arg]DQHLVCTCPP

ClinVar aggregate classification (germline): Pathogenic/Likely pathogenic. Review status: criteria provided, multiple submitters, no conflicts (2 of 4 stars). 7 submissions from 7 submitters: Pathogenic (4); Likely pathogenic (1). 2 of the submissions do not count toward it. Last evaluated 2026-03-07.

Conditions:
Glycine encephalopathy. Also called: Non-ketotic hyperglycinemia; Nonketotic hyperglycinemia. Identifiers: Orphanet 407, MedGen C0751748, MONDO:0011612, HP:0008288.
Glycine encephalopathy 1 (GCE1). Identifiers: MedGen CN376801, MONDO:0958179, OMIM 605899.
Inborn genetic diseases. Identifiers: MedGen C0950123, MeSH D030342.

Allele frequency attached by ClinVar (database versions not stated): gnomAD 0.00001; TOPMed 0.00001; gnomAD exomes below 0.00001.
gnomAD v4.1: 7 of 1,611,208 alleles (0.00043%); highest among the groups gnomAD compares: Non-Finnish European, 0.00051%; no homozygotes.

Submissions (7):

GeneDx
Classification: Likely pathogenic. Last evaluated: 2026-03-07. Review status: criteria provided, single submitter. Criteria: GeneDx Variant Classification Process June 2021. Collection method: clinical testing. Allele origin: germline.
Comment: Published functional studies demonstrate a damaging effect resulting in impaired GCS activity (PMID: 28244183); Not observed at significant frequency in large population cohorts (gnomAD); In silico analysis supports that this missense variant has a deleterious effect on protein structure/function; This variant is associated with the following publications: (PMID: 26179960, 28244183)

Natera, Inc.
Classification: Pathogenic for Non-ketotic hyperglycinemia. Last evaluated: 2025-11-13. Review status: criteria provided, single submitter. Criteria: Natera Variant Classification Schema (03/2026). Collection method: clinical testing. Allele origin: germline.
Comment: The c.2980G>A variant in GLDC is a missense variant predicted to cause substitution of glycine to arginine at amino acid 994. This variant is rare in the general population with a frequency below the threshold expected for the associated phenotype(s). This variant has been observed in one or more individuals affected with the associated recessive disease, as either homozygous or compound heterozygous with a second variant (PMID: 27362913). Given the available evidence, this variant is classified as Pathogenic.

Ambry Genetics
Classification: Pathogenic for Inborn genetic diseases. Last evaluated: 2024-06-05. Review status: criteria provided, single submitter. Criteria: Ambry Variant Classification Scheme 2023. Collection method: clinical testing. Allele origin: germline.
Comment: The c.2980G>A (p.G994R) alteration is located in exon 25 (coding exon 25) of the GLDC gene. This alteration results from a G to A substitution at nucleotide position 2980, causing the glycine (G) at amino acid position 994 to be replaced by an arginine (R). This variant was not reported in population-based cohorts in the Genome Aggregation Database (gnomAD). This variant has been identified in the homozygous state and in conjunction with other GLDC variants in individuals with features consistent with GLDC-related glycine encephalopathy; in at least one instance, the variants were identified in trans (Swanson, 2015; Coughlin, 2017; Bravo-Alonso, 2017). This amino acid position is highly conserved in available vertebrate species. In an assay testing GLDC function, this variant showed a functionally abnormal result (Bravo-Alonso, 2017). This alteration is predicted to be deleterious by in silico analysis. Based on the available evidence, this alteration is classified as pathogenic.

Labcorp Genetics (formerly Invitae), Labcorp
Classification: Pathogenic for Glycine encephalopathy. Last evaluated: 2024-02-05. Review status: criteria provided, single submitter. Criteria: Invitae Variant Classification Sherloc (09022015). Collection method: clinical testing. Allele origin: germline.
Comment: This sequence change replaces glycine, which is neutral and non-polar, with arginine, which is basic and polar, at codon 994 of the GLDC protein (p.Gly994Arg). This variant is not present in population databases (gnomAD no frequency). This missense change has been observed in individual(s) with nonketotic hyperglycinemia (PMID: 26179960, 27362913). In at least one individual the data is consistent with being in trans (on the opposite chromosome) from a pathogenic variant. ClinVar contains an entry for this variant (Variation ID: 550058). Advanced modeling of protein sequence and biophysical properties (such as structural, functional, and spatial information, amino acid conservation, physicochemical variation, residue mobility, and thermodynamic stability) performed at Invitae indicates that this missense variant is expected to disrupt GLDC protein function with a positive predictive value of 80%. Experimental studies have shown that this missense change affects GLDC function (PMID: 28244183). For these reasons, this variant has been classified as Pathogenic.

Women's Health and Genetics/Laboratory Corporation of America, LabCorp
Classification: Pathogenic for Glycine encephalopathy. Last evaluated: 2023-05-01. Review status: criteria provided, single submitter. Criteria: LabCorp Variant Classification Summary - May 2015. Collection method: clinical testing. Allele origin: germline.
Comment: Variant summary: GLDC c.2980G>A (p.Gly994Arg) results in a non-conservative amino acid change in the encoded protein sequence. Five of five in-silico tools predict a damaging effect of the variant on protein function. The variant was absent in 251454 control chromosomes. c.2980G>A has been reported in the literature in individuals affected with Glycine Encephalopathy (Non-Ketotic Hyperglycinemia) (Coughlin_2017, Swanson_2015), and observed to segregate with disease. These data indicate that the variant is likely to be associated with disease. At least one publication reports experimental evidence evaluating an impact on protein function showed undetectable GCS P-protein activity compared to Wildtype (Bravo-Alonso_2017). The following publications have been ascertained in the context of this evaluation (PMID: 28244183, 27362913, 26179960). Three clinical diagnostic laboratories have submitted clinical-significance assessments for this variant to ClinVar after 2014 and classified the variant as pathogenic (n=2) and likely pathogenic (n=1). Based on the evidence outlined above, the variant was classified as pathogenic.

Counsyl
Classification: Likely pathogenic for Glycine encephalopathy 1. Last evaluated: 2018-02-16. Review status: no assertion criteria provided. Collection method: clinical testing. Allele origin: unknown. Not counted in ClinVar's aggregate classification.

Department of Pathology and Laboratory Medicine, Sinai Health System
Classification: Uncertain significance for Glycine encephalopathy 1. Last evaluated: 2023-02-24. Review status: flagged submission. Criteria: ACMG Guidelines, 2015. Collection method: research. Allele origin: germline. Not counted in ClinVar's aggregate classification.
ClinVar note: Reason: Outlier claim with insufficient supporting evidence

Literature cited by the submitters: PubMed 27362913 (cited by 5 submitters); PubMed 26179960 (cited by 3 submitters); PubMed 28244183 (cited by 4 submitters).